The following is an entry in ClinVar:

ClinVar aggregate classification (germline): Benign/Likely benign. Review status: criteria provided, multiple submitters, no conflicts (2 of 4 stars). 8 submissions from 7 submitters: Benign (4); Likely benign (4). Last evaluated 2026-01-21.

Conditions:
Stickler syndrome type 1 (STL1). Also called: COL2A1-Related Stickler Syndrome; ARTHROOPHTHALMOPATHY, HEREDITARY PROGRESSIVE; STICKLER SYNDROME, MEMBRANOUS VITREOUS TYPE; STICKLER SYNDROME, VITREOUS TYPE 1. Identifiers: Orphanet 828, Orphanet 90653, MedGen C2020284, MONDO:0007160, OMIM 108300.
Type 2 collagenopathy. Identifiers: Orphanet 93421, MedGen C2931073, MONDO:0022800.

Allele frequency attached by ClinVar (database versions not stated): gnomAD 0.00198 and 0.00183; TOPMed 0.00212; ESP Exome Variant Server 0.00238; 1000 Genomes Project 0.00120; 1000 Genomes Project 30x 0.00141.
gnomAD v4.1: 508 of 1,614,072 alleles (0.031%); highest among the groups gnomAD compares: African/African-American, 0.6%; no homozygotes.

Submissions (8):

Labcorp Genetics (formerly Invitae), Labcorp
Classification: Benign. Last evaluated: 2026-01-21. Review status: criteria provided, single submitter. Criteria: Invitae Variant Classification Sherloc (09022015). Collection method: clinical testing. Allele origin: germline.

ARUP Laboratories, Molecular Genetics and Genomics, ARUP Laboratories
Classification: Benign. Last evaluated: 2025-06-20. Review status: criteria provided, single submitter. Criteria: ARUP Molecular Germline Variant Investigation Process 2024. Collection method: clinical testing. Allele origin: germline.

Blueprint Genetics
Classification: Likely benign. Last evaluated: 2024-10-21. Review status: criteria provided, single submitter. Criteria: ACMG Guidelines, 2015. Collection method: clinical testing. Allele origin: germline.

GeneDx
Classification: Likely benign. Last evaluated: 2020-10-05. Review status: criteria provided, single submitter. Criteria: GeneDx Variant Classification Process June 2021. Collection method: clinical testing. Allele origin: germline. Affected: yes.

Illumina Laboratory Services, Illumina
Classification: Benign for Type II Collagenopathies. Last evaluated: 2018-01-13. Review status: criteria provided, single submitter. Criteria: ICSL Variant Classification Criteria 13 December 2019. Collection method: clinical testing. Allele origin: germline.
Comment: This variant was observed in the ICSL laboratory as part of a predisposition screen in an ostensibly healthy population. It had not been previously curated by ICSL or reported in the Human Gene Mutation Database (HGMD: prior to June 1st, 2018), and was therefore a candidate for classification through an automated scoring system. Utilizing variant allele frequency, disease prevalence and penetrance estimates, and inheritance mode, an automated score was calculated to assess if this variant is too frequent to cause the disease. Based on the score and internal cut-off values, a variant classified as benign is not then subjected to further curation. The score for this variant resulted in a classification of benign for this disease.

Illumina Laboratory Services, Illumina
Classification: Likely benign for Stickler syndrome type 1. Last evaluated: 2018-01-13. Review status: criteria provided, single submitter. Criteria: ICSL Variant Classification Criteria 13 December 2019. Collection method: clinical testing. Allele origin: germline.
Comment: This variant was observed in the ICSL laboratory as part of a predisposition screen in an ostensibly healthy population. It had not been previously curated by ICSL or reported in the Human Gene Mutation Database (HGMD: prior to June 1st, 2018), and was therefore a candidate for classification through an automated scoring system. Utilizing variant allele frequency, disease prevalence and penetrance estimates, and inheritance mode, an automated score was calculated to assess if this variant is too frequent to cause the disease. Based on the score and internal cut-off values, a variant classified as likely benign is not then subjected to further curation. The score for this variant resulted in a classification of likely benign for this disease.

Eurofins Ntd Llc (ga)
Classification: Benign. Last evaluated: 2017-07-28. Review status: criteria provided, single submitter. Criteria: EGL Classification Definitions 2015. Collection method: clinical testing. Allele origin: germline. Observed: 1 variant allele, 1 heterozygote.

Breakthrough Genomics
Classification: Likely benign. Review status: criteria provided, single submitter. Criteria: ACMG Guidelines, 2015. Collection method: not provided. Allele origin: germline. Inheritance: Autosomal dominant inheritance. Affected: yes.

NM_001844.5(COL2A1):c.2046C>T (p.Asp682=)

Gene: COL2A1 (collagen type II alpha 1 chain; minus strand). Cytogenetic location: 12q13.11.
Variant type: single nucleotide variant.
Coding change: c.2046C>T on transcript NM_001844.5 (MANE Select); coding-DNA position 2046, C replaced by T.
Protein change: p.Asp682=; no amino-acid change (aspartic acid 682 retained).
Molecular consequence: synonymous variant.
Genome position (GRCh38, 1-based): chr12:47,983,388, G>A on the plus strand (C>T on the coding strand, the complement: COL2A1 is on the minus strand). VCF-style: chr12-47983388-G-A. GRCh37 (hg19) VCF-style: chr12-48377171-G-A.
Other names: c.1839C>T, p.Asp613= (NM_033150.3).
Identifiers: ClinVar variation 308921 (VCV000308921.29), dbSNP rs41263851, ClinGen allele CA6535277.